The following is an entry in ClinVar:

ClinVar aggregate classification (germline): Uncertain significance (1 of 4 stars; one submission).

Conditions:
Charcot-Marie-Tooth disease axonal type 2O. Also called: Charcot-Marie-Tooth disease, axonal, type 20; CHARCOT-MARIE-TOOTH NEUROPATHY, AXONAL, TYPE 2O; CHARCOT-MARIE-TOOTH DISEASE, AXONAL, AUTOSOMAL DOMINANT, TYPE 2O; Charcot-Marie-Tooth Neuropathy Type 2O. Identifiers: Orphanet 284232, MedGen C3280220, MONDO:0013644, OMIM 614228.

Submission:

Labcorp Genetics (formerly Invitae), Labcorp
Classification: Uncertain significance for Charcot-Marie-Tooth disease axonal type 2O. Last evaluated: 2024-08-31. Review status: criteria provided, single submitter. Criteria: Invitae Variant Classification Sherloc (09022015). Collection method: clinical testing. Allele origin: germline.
Comment: This sequence change replaces histidine, which is basic and polar, with arginine, which is basic and polar, at codon 3837 of the DYNC1H1 protein (p.His3837Arg). This variant is not present in population databases (gnomAD no frequency). This variant has not been reported in the literature in individuals affected with DYNC1H1-related conditions. Invitae Evidence Modeling of protein sequence and biophysical properties (such as structural, functional, and spatial information, amino acid conservation, physicochemical variation, residue mobility, and thermodynamic stability) indicates that this missense variant is not expected to disrupt DYNC1H1 protein function with a negative predictive value of 95%. In summary, the available evidence is currently insufficient to determine the role of this variant in disease. Therefore, it has been classified as a Variant of Uncertain Significance.

NM_001376.5(DYNC1H1):c.11510A>G (p.His3837Arg)

Gene: DYNC1H1 (dynein cytoplasmic 1 heavy chain 1; plus strand). Cytogenetic location: 14q32.31.
Variant type: single nucleotide variant.
Coding change: c.11510A>G on transcript NM_001376.5 (MANE Select); coding-DNA position 11510, A replaced by G.
Protein change: p.His3837Arg; replaces histidine 3837 with arginine.
Molecular consequence: missense variant.
Genome position (GRCh38, 1-based): chr14:102,039,461, A>G. VCF-style: chr14-102039461-A-G. GRCh37 (hg19) VCF-style: chr14-102505798-A-G.
Other names: short protein forms H3837R.
Identifiers: ClinVar variation 3636180 (VCV003636180.2).